The following is an entry in ClinVar:

ClinVar aggregate classification (germline): Uncertain significance (1 of 4 stars; one submission).

Submission:

GeneDx
Classification: Uncertain significance. Last evaluated: 2022-02-23. Review status: criteria provided, single submitter. Criteria: GeneDx Variant Classification Process June 2021. Collection method: clinical testing. Allele origin: germline. Affected: yes.
Comment: Not observed at significant frequency in large population cohorts (gnomAD); In silico analysis supports that this missense variant does not alter protein structure/function; Has not been previously published as pathogenic or benign to our knowledge

NM_002336.3(LRP6):c.3454G>A (p.Val1152Met)

Gene: LRP6 (LDL receptor related protein 6; minus strand). Cytogenetic location: 12p13.2.
Variant type: single nucleotide variant.
Coding change: c.3454G>A on transcript NM_002336.3 (MANE Select); coding-DNA position 3454, G replaced by A.
Protein change: p.Val1152Met; replaces valine 1152 with methionine.
Molecular consequence: missense variant.
Genome position (GRCh38, 1-based): chr12:12,138,478, C>T on the plus strand (G>A on the coding strand, the complement: LRP6 is on the minus strand). VCF-style: chr12-12138478-C-T. GRCh37 (hg19) VCF-style: chr12-12291412-C-T.
Other names: short protein forms V1152M.
Identifiers: ClinVar variation 1703431 (VCV001703431.2), dbSNP rs2136885584, ClinGen allele CA383954889.